The following is an entry in ClinVar:

NM_006922.4(SCN3A):c.64C>T (p.Leu22Phe)

Gene: SCN3A (sodium voltage-gated channel alpha subunit 3; minus strand). Cytogenetic location: 2q24.3.
Variant type: single nucleotide variant.
Coding change: c.64C>T on transcript NM_006922.4 (MANE Select); coding-DNA position 64, C replaced by T.
Protein change: p.Leu22Phe; replaces leucine 22 with phenylalanine.
Molecular consequence: missense variant.
Genome position (GRCh38, 1-based): chr2:165,176,331, G>A on the plus strand (C>T on the coding strand, the complement: SCN3A is on the minus strand). VCF-style: chr2-165176331-G-A. GRCh37 (hg19) VCF-style: chr2-166032841-G-A.
Other names: c.64C>T, p.Leu22Phe (NM_001081676.2, NM_001081677.2); c.64C>T (NM_006922.3); short protein forms L22F.
Identifiers: ClinVar variation 2703518 (VCV002703518.4), dbSNP rs2468566450, ClinGen allele CA349241150.

ClinVar aggregate classification (germline): Uncertain significance. Review status: criteria provided, multiple submitters, no conflicts (2 of 4 stars). 2 submissions from 2 submitters: Uncertain significance (2). Last evaluated 2024-11-27.

Allele frequency attached by ClinVar (database versions not stated): gnomAD exomes below 0.00001.
gnomAD v4.1: 1 of 1,614,074 alleles (0.000062%); highest among the groups gnomAD compares: Non-Finnish European, 0.000085%; no homozygotes.

Submissions (2):

GeneDx
Classification: Uncertain significance. Last evaluated: 2024-11-27. Review status: criteria provided, single submitter. Criteria: GeneDx Variant Classification Process June 2021. Collection method: clinical testing. Allele origin: germline. Affected: yes.
Comment: Not observed at significant frequency in large population cohorts (gnomAD); In silico analysis supports that this missense variant has a deleterious effect on protein structure/function; Has not been previously published as pathogenic or benign to our knowledge

Labcorp Genetics (formerly Invitae), Labcorp
Classification: Uncertain significance. Last evaluated: 2023-12-16. Review status: criteria provided, single submitter. Criteria: Invitae Variant Classification Sherloc (09022015). Collection method: clinical testing. Allele origin: germline.
Comment: This sequence change replaces leucine, which is neutral and non-polar, with phenylalanine, which is neutral and non-polar, at codon 22 of the SCN3A protein (p.Leu22Phe). This variant is not present in population databases (gnomAD no frequency). This variant has not been reported in the literature in individuals affected with SCN3A-related conditions. Advanced modeling of protein sequence and biophysical properties (such as structural, functional, and spatial information, amino acid conservation, physicochemical variation, residue mobility, and thermodynamic stability) has been performed at Invitae for this missense variant, however the output from this modeling did not meet the statistical confidence thresholds required to predict the impact of this variant on SCN3A protein function. In summary, the available evidence is currently insufficient to determine the role of this variant in disease. Therefore, it has been classified as a Variant of Uncertain Significance.